The following is an entry in ClinVar:

NM_000138.5(FBN1):c.5288T>A (p.Leu1763Ter)

Gene: FBN1 (fibrillin 1; minus strand). Cytogenetic location: 15q21.1.
Variant type: single nucleotide variant.
Coding change: c.5288T>A on transcript NM_000138.5 (MANE Select); coding-DNA position 5288, T replaced by A.
Protein change: p.Leu1763Ter; replaces leucine 1763 with a stop codon.
Molecular consequence: nonsense.
Genome position (GRCh38, 1-based): chr15:48,460,254, A>T on the plus strand (T>A on the coding strand, the complement: FBN1 is on the minus strand). VCF-style: chr15-48460254-A-T. GRCh37 (hg19) VCF-style: chr15-48752451-A-T.
Other names: c.5288T>A, p.Leu1763Ter (NM_001406716.1); short protein forms L1763*.
Identifiers: ClinVar variation 1746600 (VCV001746600.2), dbSNP rs2505485409, ClinGen allele CA392347968.
Genomic context (GRCh38, chr15:48,460,254, plus strand): 5'-CTAACACAAAGGCAAAAAACCAGAAAGTTCTGACAATGCCGTCATGACTCACCAACGGGT[A>T]AACCGGTATAAATGTCGATGACAAAGCCTGGCCTTTGACTTCCACAGAGTGTAGCAAACT-3'

ClinVar aggregate classification (germline): Pathogenic (1 of 4 stars; one submission).

Conditions:
Familial thoracic aortic aneurysm and aortic dissection (TAAD). Also called: Thoracic aortic aneurysms and dissections. Identifiers: Orphanet 91387, MedGen C4707243, MONDO:0019625.

Submission:

Ambry Genetics
Classification: Pathogenic for Familial thoracic aortic aneurysm and aortic dissection. Last evaluated: 2022-04-28. Review status: criteria provided, single submitter. Criteria: Ambry Variant Classification Scheme 2023. Collection method: clinical testing. Allele origin: germline.
Comment: The p.L1763* variant (also known as c.5288T>A), located in coding exon 42 of the FBN1 gene, results from a T to A substitution at nucleotide position 5288. This changes the amino acid from a leucine to a stop codon within coding exon 42. This variant is considered to be rare based on population cohorts in the Genome Aggregation Database (gnomAD). This alteration is expected to result in loss of function by premature protein truncation or nonsense-mediated mRNA decay. As such, this alteration is interpreted as a disease-causing mutation.